The following is an entry in ClinVar:

NM_001164508.2(NEB):c.20050-3C>T

Gene: NEB (nebulin; minus strand). Cytogenetic location: 2q23.3.
Variant type: single nucleotide variant.
Coding change: c.20050-3C>T on transcript NM_001164508.2 (MANE Select); 3 bases into the intron before coding-DNA position 20050, C replaced by T.
Molecular consequence: intron variant.
Genome position (GRCh38, 1-based): chr2:151,548,418, G>A on the plus strand (C>T on the coding strand, the complement: NEB is on the minus strand). VCF-style: chr2-151548418-G-A. GRCh37 (hg19) VCF-style: chr2-152404932-G-A.
Other names: c.14947-3C>T (NM_004543.5); c.20050-3C>T (NM_001164507.2, NM_001271208.2).
Identifiers: ClinVar variation 2731212 (VCV002731212.3), dbSNP rs1300130130, ClinGen allele CA536642632.
Genomic context (GRCh38, chr2:151,548,418, plus strand): 5'-TGGGGCCAAGTGTATACCCATATGCCTTGGTGTGTTCATAGGCTTCTTTGTACTTGAACT[G>A]CAAAAGCAAAGTCAGAATGAGATCAATGATGGGTAAACAAGGACCAACATTACATTTCTC-3'

ClinVar aggregate classification (germline): Uncertain significance (1 of 4 stars; one submission).

Conditions:
Nemaline myopathy 2 (NEM2). Also called: Nemaline myopathy 2, autosomal recessive. Identifiers: MedGen C1850569, MONDO:0009725, OMIM 256030.

Submission:

Labcorp Genetics (formerly Invitae), Labcorp
Classification: Uncertain significance for Nemaline myopathy 2. Last evaluated: 2023-05-26. Review status: criteria provided, single submitter. Criteria: Invitae Variant Classification Sherloc (09022015). Collection method: clinical testing. Allele origin: germline.
Comment: In summary, the available evidence is currently insufficient to determine the role of this variant in disease. Therefore, it has been classified as a Variant of Uncertain Significance. Variants that disrupt the consensus splice site are a relatively common cause of aberrant splicing (PMID: 17576681, 9536098). Algorithms developed to predict the effect of sequence changes on RNA splicing suggest that this variant is not likely to affect RNA splicing. This variant has not been reported in the literature in individuals affected with NEB-related conditions. This variant is not present in population databases (gnomAD no frequency). This sequence change falls in intron 130 of the NEB gene. It does not directly change the encoded amino acid sequence of the NEB protein. It affects a nucleotide within the consensus splice site.

Literature cited by the submitters: PubMed 17576681; PubMed 9536098.